The following is an entry in ClinVar:

NM_015072.5(TTLL5):c.232C>T (p.Arg78Cys)

Gene: TTLL5 (tubulin tyrosine ligase like 5; plus strand). Cytogenetic location: 14q24.3.
Variant type: single nucleotide variant.
Coding change: c.232C>T on transcript NM_015072.5 (MANE Select); coding-DNA position 232, C replaced by T.
Protein change: p.Arg78Cys; replaces arginine 78 with cysteine.
Molecular consequence: missense variant.
Genome position (GRCh38, 1-based): chr14:75,681,595, C>T. VCF-style: chr14-75681595-C-T. GRCh37 (hg19) VCF-style: chr14-76147938-C-T.
Other names: short protein forms R78C.
Identifiers: ClinVar variation 1511935 (VCV001511935.6), dbSNP rs369997391, ClinGen allele CA7278852.

ClinVar aggregate classification (germline): Uncertain significance. Review status: criteria provided, multiple submitters, no conflicts (2 of 4 stars). 2 submissions from 2 submitters: Uncertain significance (2). Last evaluated 2022-07-25.

Allele frequency attached by ClinVar (database versions not stated): gnomAD exomes 0.00001 and 0.00003; gnomAD 0.00004; TOPMed 0.00005; ExAC 0.00006; ESP Exome Variant Server 0.00008.
gnomAD v4.1: 24 of 1,613,332 alleles (0.0015%); highest among the groups gnomAD compares: African/African-American, 0.013%; no homozygotes.

Submissions (2):

Labcorp Genetics (formerly Invitae), Labcorp
Classification: Uncertain significance. Last evaluated: 2022-07-25. Review status: criteria provided, single submitter. Criteria: Invitae Variant Classification Sherloc (09022015). Collection method: clinical testing. Allele origin: germline.
Comment: This sequence change replaces arginine, which is basic and polar, with cysteine, which is neutral and slightly polar, at codon 78 of the TTLL5 protein (p.Arg78Cys). This variant is present in population databases (rs369997391, gnomAD 0.02%). This variant has not been reported in the literature in individuals affected with TTLL5-related conditions. ClinVar contains an entry for this variant (Variation ID: 1511935). Algorithms developed to predict the effect of missense changes on protein structure and function are either unavailable or do not agree on the potential impact of this missense change (SIFT: "Deleterious"; PolyPhen-2: "Probably Damaging"; Align-GVGD: "Class C0"). In summary, the available evidence is currently insufficient to determine the role of this variant in disease. Therefore, it has been classified as a Variant of Uncertain Significance.

Blueprint Genetics
Classification: Uncertain significance. Last evaluated: 2021-12-14. Review status: criteria provided, single submitter. Criteria: ACMG Guidelines, 2015. Collection method: clinical testing. Allele origin: germline.